The following is an entry in ClinVar:

ClinVar aggregate classification (germline): Uncertain significance (1 of 4 stars; one submission).

Submission:

Labcorp Genetics (formerly Invitae), Labcorp
Classification: Uncertain significance. Last evaluated: 2025-12-03. Review status: criteria provided, single submitter. Criteria: Invitae Variant Classification Sherloc (09022015). Collection method: clinical testing. Allele origin: germline.
Comment: This sequence change replaces glutamine, which is neutral and polar, with leucine, which is neutral and non-polar, at codon 237 of the PPP2R1A protein (p.Gln237Leu). Information on the frequency of this variant in the gnomAD database is not available, as this variant may be reported differently in the database. This variant has not been reported in the literature in individuals affected with PPP2R1A-related conditions. An algorithm developed to predict the effect of missense changes on protein structure and function (PolyPhen-2) suggests that this variant is likely to be tolerated. In summary, the available evidence is currently insufficient to determine the role of this variant in disease. Therefore, it has been classified as a Variant of Uncertain Significance.

NM_014225.6(PPP2R1A):c.709_710delinsTT (p.Gln237Leu)

Gene: PPP2R1A (protein phosphatase 2 scaffold subunit Aalpha; plus strand). Cytogenetic location: 19q13.41.
Variant type: Indel.
Coding change: c.709_710delinsTT on transcript NM_014225.6 (MANE Select); coding-DNA positions 709 to 710, CA replaced by TT.
Protein change: p.Gln237Leu; replaces glutamine 237 with leucine.
Molecular consequence: missense variant. On other transcripts: non-coding transcript variant (1).
Genome position (GRCh38, 1-based): chr19:52,213,012-52,213,013, CA replaced by TT. VCF-style: chr19-52213012-CA-TT. GRCh37 (hg19) VCF-style: chr19-52716265-CA-TT.
Other names: c.172_173delinsTT, p.Gln58Leu (NM_001363656.2); short protein forms Q237L, Q58L.
Identifiers: ClinVar variation 4732501 (VCV004732501.1).